The following is an entry in ClinVar:

ClinVar aggregate classification (germline): Uncertain significance (1 of 4 stars; one submission).

Conditions:
Immunodeficiency 104. Also called: Severe Combined Immune Deficiency, Autosomal Recessive, TCell -Negative, B Cell-Positive, NK Cell-Positive, IL7R-Related; Severe combined immunodeficiency, autosomal recessive, T cell-negative, B cell-positive, NK cell-positive; SCID, AUTOSOMAL RECESSIVE, T CELL-NEGATIVE, B CELL-POSITIVE, NK CELL-POSITIVE; IMMUNODEFICIENCY 104, SEVERE COMBINED. Identifiers: MedGen C5676890, MONDO:0012163, OMIM 608971.

Allele frequency attached by ClinVar (database versions not stated): ExAC 0.00002; gnomAD exomes 0.00002; gnomAD 0.00004; TOPMed 0.00004; ESP Exome Variant Server 0.00008.
gnomAD v4.1: 28 of 1,613,478 alleles (0.0017%); highest among the groups gnomAD compares: African/African-American, 0.0067%; no homozygotes.

Submission:

Labcorp Genetics (formerly Invitae), Labcorp
Classification: Uncertain significance for Immunodeficiency 104. Last evaluated: 2022-09-27. Review status: criteria provided, single submitter. Criteria: Invitae Variant Classification Sherloc (09022015). Collection method: clinical testing. Allele origin: germline.
Comment: This sequence change replaces tyrosine, which is neutral and polar, with cysteine, which is neutral and slightly polar, at codon 43 of the IL7R protein (p.Tyr43Cys). This variant is present in population databases (rs373694709, gnomAD 0.007%). This variant has not been reported in the literature in individuals affected with IL7R-related conditions. Advanced modeling of protein sequence and biophysical properties (such as structural, functional, and spatial information, amino acid conservation, physicochemical variation, residue mobility, and thermodynamic stability) performed at Invitae indicates that this missense variant is expected to disrupt IL7R protein function. In summary, the available evidence is currently insufficient to determine the role of this variant in disease. Therefore, it has been classified as a Variant of Uncertain Significance.

NM_002185.5(IL7R):c.128A>G (p.Tyr43Cys)

Gene: IL7R (interleukin 7 receptor; plus strand). Cytogenetic location: 5p13.2.
Variant type: single nucleotide variant.
Coding change: c.128A>G on transcript NM_002185.5 (MANE Select); coding-DNA position 128, A replaced by G.
Protein change: p.Tyr43Cys; replaces tyrosine 43 with cysteine.
Molecular consequence: missense variant. On other transcripts: non-coding transcript variant (1).
Genome position (GRCh38, 1-based): chr5:35,860,897, A>G. VCF-style: chr5-35860897-A-G. GRCh37 (hg19) VCF-style: chr5-35860999-A-G.
Other names: c.128A>G, p.Tyr43Cys (NM_001410734.1); short protein forms Y43C.
Identifiers: ClinVar variation 1990608 (VCV001990608.1), dbSNP rs373694709, ClinGen allele CA3231850.